The following is an entry in ClinVar:

ClinVar aggregate classification (germline): Uncertain significance (1 of 4 stars; one submission).

Allele frequency attached by ClinVar (database versions not stated): gnomAD exomes 0.00002; ExAC 0.00003; gnomAD 0.00005 and 0.00006; TOPMed 0.00005; ESP Exome Variant Server 0.00017.
gnomAD v4.1: 30 of 1,613,970 alleles (0.0019%); highest among the groups gnomAD compares: African/African-American, 0.027%; 1 homozygote.

Submission:

Labcorp Genetics (formerly Invitae), Labcorp
Classification: Uncertain significance. Last evaluated: 2025-05-27. Review status: criteria provided, single submitter. Criteria: Invitae Variant Classification Sherloc (09022015). Collection method: clinical testing. Allele origin: germline.
Comment: This sequence change replaces valine, which is neutral and non-polar, with leucine, which is neutral and non-polar, at codon 363 of the MYSM1 protein (p.Val363Leu). This variant is present in population databases (rs371136355, gnomAD 0.03%). This variant has not been reported in the literature in individuals affected with MYSM1-related conditions. ClinVar contains an entry for this variant (Variation ID: 1423513). Invitae Evidence Modeling of protein sequence and biophysical properties (such as structural, functional, and spatial information, amino acid conservation, physicochemical variation, residue mobility, and thermodynamic stability) indicates that this missense variant is not expected to disrupt MYSM1 protein function with a negative predictive value of 80%. In summary, the available evidence is currently insufficient to determine the role of this variant in disease. Therefore, it has been classified as a Variant of Uncertain Significance.

NM_001085487.3(MYSM1):c.1087G>C (p.Val363Leu)

Gene: MYSM1 (Myb like, SWIRM and MPN domains 1; minus strand). Cytogenetic location: 1p32.1.
Variant type: single nucleotide variant.
Coding change: c.1087G>C on transcript NM_001085487.3 (MANE Select); coding-DNA position 1087, G replaced by C.
Protein change: p.Val363Leu; replaces valine 363 with leucine.
Molecular consequence: missense variant.
Genome position (GRCh38, 1-based): chr1:58,681,957, C>G on the plus strand (G>C on the coding strand, the complement: MYSM1 is on the minus strand). VCF-style: chr1-58681957-C-G. GRCh37 (hg19) VCF-style: chr1-59147629-C-G.
Other names: short protein forms V363L.
Identifiers: ClinVar variation 1423513 (VCV001423513.5), dbSNP rs371136355, ClinGen allele CA877914.